The following is an entry in ClinVar:

NM_024757.5(EHMT1):c.508C>T (p.Gln170Ter)

Gene: EHMT1 (euchromatic histone lysine methyltransferase 1; plus strand). Cytogenetic location: 9q34.3.
Variant type: single nucleotide variant.
Coding change: c.508C>T on transcript NM_024757.5 (MANE Select); coding-DNA position 508, C replaced by T.
Protein change: p.Gln170Ter; replaces glutamine 170 with a stop codon.
Molecular consequence: nonsense.
Genome position (GRCh38, 1-based): chr9:137,717,048, C>T. VCF-style: chr9-137717048-C-T. GRCh37 (hg19) VCF-style: chr9-140611500-C-T.
Other names: c.508C>T, p.Gln170Ter (NM_001145527.2, NM_001354263.2, NM_001354611.2); c.415C>T, p.Gln139Ter (NM_001354259.2, NM_001354612.2); short protein forms Q170*, Q139*.
Identifiers: ClinVar variation 489033 (VCV000489033.49), dbSNP rs1554846766, ClinGen allele CA375765468.

ClinVar aggregate classification (germline): Pathogenic. Review status: criteria provided, multiple submitters, no conflicts (2 of 4 stars). 4 submissions from 4 submitters: Pathogenic (4). Last evaluated 2023-08-04.

Conditions:
Kleefstra syndrome 1 (KLEFS1). Identifiers: Orphanet 261494, MedGen C0795833, MONDO:0027407, OMIM 610253.

Submissions (4):

Labcorp Genetics (formerly Invitae), Labcorp
Classification: Pathogenic for Kleefstra syndrome 1. Last evaluated: 2023-08-04. Review status: criteria provided, single submitter. Criteria: Invitae Variant Classification Sherloc (09022015). Collection method: clinical testing. Allele origin: germline.
Comment: This sequence change creates a premature translational stop signal (p.Gln170*) in the EHMT1 gene. It is expected to result in an absent or disrupted protein product. Loss-of-function variants in EHMT1 are known to be pathogenic (PMID: 16826528, 19264732). This variant is not present in population databases (gnomAD no frequency). This variant has not been reported in the literature in individuals affected with EHMT1-related conditions. ClinVar contains an entry for this variant (Variation ID: 489033). For these reasons, this variant has been classified as Pathogenic.

GeneDx
Classification: Pathogenic. Last evaluated: 2021-03-13. Review status: criteria provided, single submitter. Criteria: GeneDx Variant Classification Process June 2021. Collection method: clinical testing. Allele origin: germline. Affected: yes.
Comment: Nonsense variant predicted to result in protein truncation or nonsense mediated decay in a gene for which loss-of-function is a known mechanism of disease; Not observed in large population cohorts (Lek et al., 2016); Has not been previously published as pathogenic or benign to our knowledge

Laboratoire de Génétique Moléculaire, CHU Bordeaux
Classification: Pathogenic for Kleefstra syndrome 1. Last evaluated: 2021-01-18. Review status: criteria provided, single submitter. Criteria: ACMG Guidelines, 2015. Collection method: clinical testing. Allele origin: germline. Affected: yes.

CeGaT Center for Human Genetics Tuebingen
Classification: Pathogenic. Last evaluated: 2018-01-01. Review status: criteria provided, single submitter. Criteria: CeGaT Center For Human Genetics Tuebingen Variant Classification Criteria Version 2. Collection method: clinical testing. Allele origin: germline. Affected: yes. Observed: 1 variant allele.

Literature cited by the submitters: PubMed 16826528 (cited by Labcorp Genetics (formerly Invitae), Labcorp); PubMed 19264732 (cited by Labcorp Genetics (formerly Invitae), Labcorp).